The following is an entry in ClinVar:

ClinVar aggregate classification (germline): Uncertain significance (1 of 4 stars; one submission).

gnomAD v4.1: 3 of 1,613,878 alleles (0.00019%); highest among the groups gnomAD compares: Non-Finnish European, 0.00025%; no homozygotes.

Submission:

CeGaT Center for Human Genetics Tuebingen
Classification: Uncertain significance. Last evaluated: 2026-06-01. Review status: criteria provided, single submitter. Criteria: CeGaT Center For Human Genetics Tuebingen Variant Classification Criteria Version 2. Collection method: clinical testing. Allele origin: germline. Affected: yes. Observed: 1 variant allele.
Comment: NSD2: PM2:Supporting

NM_001042424.3(NSD2):c.1486G>C (p.Glu496Gln)

Gene: NSD2 (nuclear receptor binding SET domain protein 2; plus strand). Cytogenetic location: 4p16.3.
Variant type: single nucleotide variant.
Coding change: c.1486G>C on transcript NM_001042424.3 (MANE Select); coding-DNA position 1486, G replaced by C.
Protein change: p.Glu496Gln; replaces glutamic acid 496 with glutamine.
Molecular consequence: missense variant.
Genome position (GRCh38, 1-based): chr4:1,930,701, G>C. VCF-style: chr4-1930701-G-C. GRCh37 (hg19) VCF-style: chr4-1932428-G-C.
Other names: c.1486G>C, p.Glu496Gln (NM_001440892.1, NM_001440894.1, NM_001440895.1 and 8 more transcripts); c.1585G>C, p.Glu529Gln (NM_001440893.1); c.517G>C, p.Glu173Gln (NM_001440899.1, NM_001440900.1); short protein forms E173Q, E496Q, E529Q.
Identifiers: ClinVar variation 4873189 (VCV004873189.2).
Genomic context (GRCh38, chr4:1,930,701, plus strand): 5'-CCAGATGCTTCAGGTGAGGAGATTGAAGAGCTGCTCAGGTCACAGTGGAGTCTGCTGAGT[G>C]AGAAGCAGAGAGCACGCTACAACACCAAGTTTGCCCTGGTGGCCCCTGTCCAGGCTGAAG-3'
Protein context (NP_001035889.1, residues 486-506): LLRSQWSLLS[Glu496Gln]KQRARYNTKF